The following is an entry in ClinVar:

ClinVar aggregate classification (germline): Conflicting classifications of pathogenicity. Review status: criteria provided, conflicting classifications (1 of 4 stars). 11 submissions from 11 submitters: Uncertain significance (6); Likely benign (3). 2 of the submissions do not count toward it. Last evaluated 2026-05-04.

Conditions:
TTN-related disorder. Also called: TTN-related condition; TTN-related disease; TTN-related disorders.
Cardiovascular phenotype. Identifiers: MedGen CN230736.
Dilated cardiomyopathy 1G (CMD1G). Identifiers: Orphanet 154, MedGen C1858763, MONDO:0011400, OMIM 604145.
Autosomal recessive limb-girdle muscular dystrophy type 2J (LGMDR10). Also called: Limb-girdle muscular dystrophy, type 2J; MUSCULAR DYSTROPHY, LIMB-GIRDLE, AUTOSOMAL RECESSIVE 10. Identifiers: Orphanet 140922, MedGen C1837342, MONDO:0012127, OMIM 608807.
Cardiomyopathy (CMYO). Also called: Cardiomyopathies. Identifiers: Orphanet 167848, MedGen C0878544, MONDO:0004994, HP:0001638. Inheritance: Various modes of inheritance.

Allele frequency attached by ClinVar (database versions not stated): gnomAD exomes 0.00004 and 0.00009; ExAC 0.00011; ESP Exome Variant Server 0.00016; gnomAD 0.00019 and 0.00022; TOPMed 0.00019.
gnomAD v4.1: 92 of 1,613,756 alleles (0.0057%); highest among the groups gnomAD compares: African/African-American, 0.061%; no homozygotes.

Submissions (11):

PreventionGenetics, part of Exact Sciences
Classification: Uncertain significance for TTN-related condition. Last evaluated: 2026-05-04. Review status: criteria provided, single submitter. Criteria: ACMG Guidelines, 2015. Collection method: clinical testing. Allele origin: germline.
Comment: The TTN c.104519G>A variant is predicted to result in the amino acid substitution p.Arg34840Gln. This variant has been reported with another TTN missense variant in an individual with restrictive cardiomyopathy (Table S3, Kostareva et al. 2016. PubMed ID: 27662471). This variant is reported in 0.066% of alleles in individuals of African descent in gnomAD. Although we suspect that this variant may be benign, at this time, the clinical significance of this variant is uncertain due to the absence of conclusive functional and genetic evidence.

Women's Health and Genetics/Laboratory Corporation of America, LabCorp
Classification: Uncertain significance. Last evaluated: 2026-02-24. Review status: criteria provided, single submitter. Criteria: LabCorp Variant Classification Summary - May 2015. Collection method: clinical testing. Allele origin: germline.
Comment: Variant summary: TTN c.96815G>A (p.Arg32272Gln) results in a conservative amino acid change in the encoded protein sequence. Algorithms developed to predict the effect of missense changes on protein structure and function are either unavailable or do not agree on the potential impact of this missense change. The variant allele was found at a frequency of 9.2e-05 in 248764 control chromosomes (gnomAD). This frequency is not significantly higher than estimated for disease-causing variants in TTN, allowing no conclusion about variant significance. c.96815G>A has been observed in one individual affected with restrictive cardiomyopathy (Kostareva_2016). The report does not provide unequivocal conclusions about association of the variant with Dilated Cardiomyopathy. To our knowledge, no experimental evidence demonstrating an impact on protein function has been reported. The following publication have been ascertained in the context of this evaluation (PMID: 27662471). ClinVar contains an entry for this variant (Variation ID: 203082). Based on the evidence outlined above, the variant was classified as uncertain significance.

Revvity Omics, Revvity
Classification: Uncertain significance. Last evaluated: 2023-09-24. Review status: criteria provided, single submitter. Criteria: ACMG Guidelines, 2015. Collection method: clinical testing. Allele origin: germline.

Blueprint Genetics
Classification: Likely benign. Last evaluated: 2022-04-25. Review status: criteria provided, single submitter. Criteria: ACMG Guidelines, 2015. Collection method: clinical testing. Allele origin: germline.

GeneDx
Classification: Likely benign. Last evaluated: 2020-01-30. Review status: criteria provided, single submitter. Criteria: GeneDx Variant Classification Process June 2021. Collection method: clinical testing. Allele origin: germline. Affected: yes.

Ambry Genetics
Classification: Uncertain significance for Cardiovascular phenotype. Last evaluated: 2019-01-14. Review status: criteria provided, single submitter. Criteria: Ambry Variant Classification Scheme 2023. Collection method: clinical testing. Allele origin: germline.
Comment: The p.R25775Q variant (also known as c.77324G>A), located in coding exon 185 of the TTN gene, results from a G to A substitution at nucleotide position 77324. The arginine at codon 25775 is replaced by glutamine, an amino acid with highly similar properties. This variant was reported (as NM_001267550.1:c.104519G>A p.R34840Q) in an individual with restrictive cardiomyopathy, who also had additional cardiac variants detected (Kostareva A et al. PLoS ONE Sep;11:e0163362). This amino acid position is highly conserved in available vertebrate species. In addition, the in silico prediction for this alteration is inconclusive. Since supporting evidence is limited at this time, the clinical significance of this alteration remains unclear.

CHEO Genetics Diagnostic Laboratory, Children's Hospital of Eastern Ontario
Classification: Likely benign for Cardiomyopathy. Last evaluated: 2018-08-31. Review status: criteria provided, single submitter. Criteria: ACMG Guidelines, 2015. Collection method: clinical testing. Allele origin: germline.

Labcorp Genetics (formerly Invitae), Labcorp
Classification: Uncertain significance for Dilated cardiomyopathy 1G; Autosomal recessive limb-girdle muscular dystrophy type 2J. Last evaluated: 2017-12-06. Review status: criteria provided, single submitter. Criteria: Invitae Variant Classification Sherloc (09022015). Collection method: clinical testing. Allele origin: germline.

Eurofins Ntd Llc (ga)
Classification: Uncertain significance. Last evaluated: 2017-06-06. Review status: criteria provided, single submitter. Criteria: EGL Classification Definitions 2015. Collection method: clinical testing. Allele origin: germline. Observed: 1 variant allele, 1 heterozygote.

Clinical Genetics DNA and cytogenetics Diagnostics Lab, Erasmus MC, Erasmus Medical Center
Classification: Uncertain significance. Review status: no assertion criteria provided. Collection method: clinical testing. Allele origin: germline. Affected: yes. Study: VKGL Data-share Consensus. Not counted in ClinVar's aggregate classification.

Clinical Genetics, Academic Medical Center
Classification: Uncertain significance. Review status: no assertion criteria provided. Collection method: clinical testing. Allele origin: germline. Affected: yes. Study: VKGL Data-share Consensus. Not counted in ClinVar's aggregate classification.

Literature cited by the submitters: PubMed 27662471 (cited by Women's Health and Genetics/Laboratory Corporation of America, LabCorp and Ambry Genetics); PubMed 28831623 (cited by Ambry Genetics).

NM_001267550.2(TTN):c.104519G>A (p.Arg34840Gln)

Genes: TTN (titin; minus strand), TTN-AS1 (TTN antisense RNA 1; plus strand). Cytogenetic location: 2q31.2.
Variant type: single nucleotide variant.
Coding change: c.104519G>A on transcript NM_001267550.2 (MANE Select); coding-DNA position 104519, G replaced by A.
Protein change: p.Arg34840Gln; replaces arginine 34840 with glutamine.
Molecular consequence: missense variant.
Genome position (GRCh38, 1-based): chr2:178,532,096, C>T on the plus strand (G>A on the coding strand, the complement: TTN is on the minus strand). VCF-style: chr2-178532096-C-T. GRCh37 (hg19) VCF-style: chr2-179396823-C-T.
Other names: p.R33199Q:CGG>CAG; c.99596G>A, p.Arg33199Gln (NM_001256850.1); c.77324G>A, p.Arg25775Gln (NM_003319.4); c.96815G>A, p.Arg32272Gln (NM_133378.4); c.77699G>A, p.Arg25900Gln (NM_133432.3); c.77900G>A, p.Arg25967Gln (NM_133437.4); short protein forms R33199Q, R34840Q, R32272Q, R25775Q, R25967Q, R25900Q.
Identifiers: ClinVar variation 203082 (VCV000203082.20), dbSNP rs199710082, ClinGen allele CA311184.